The following is an entry in ClinVar:

ClinVar aggregate classification (germline): Likely pathogenic (1 of 4 stars; one submission).

Conditions:
SMAD2-related disorder. Also called: SMAD2-related condition; SMAD2-related disorders.

Submission:

PreventionGenetics, part of Exact Sciences
Classification: Likely pathogenic for SMAD2-related condition. Last evaluated: 2024-12-19. Review status: criteria provided, single submitter. Criteria: ACMG Guidelines, 2015. Collection method: clinical testing. Allele origin: germline.
Comment: The SMAD2 c.296_297delCA variant is predicted to result in a frameshift and premature protein termination (p.Thr99Argfs*7). To our knowledge, this variant has not been reported in the literature or in a large population database (gnomAD), indicating this variant is rare. Frameshift variants in SMAD2 are expected to be pathogenic. This variant is interpreted as likely pathogenic.

NM_005901.6(SMAD2):c.296_297del (p.Thr99fs)

Gene: SMAD2 (SMAD family member 2; minus strand). Cytogenetic location: 18q21.1.
Variant type: Deletion.
Coding change: c.296_297del on transcript NM_005901.6 (MANE Select); coding-DNA positions 296 to 297, 2 bases deleted (CA; older notation c.296_297delCA).
Protein change: p.Thr99fs; shifts the reading frame from threonine 99.
Molecular consequence: frameshift variant. On other transcripts: intron variant (1).
Genome position (GRCh38, 1-based): chr18:47,870,504-47,870,505, TG deleted on the plus strand (CA on the coding strand, the reverse complement: SMAD2 is on the minus strand); deleting any 2 consecutive bases within chr18:47,870,504-47,870,506 gives the same sequence; the c. name uses the placement nearest the transcript's 3' end. VCF-style (leftmost placement, unchanged base first): chr18-47870503-CTG-C. GRCh37 (hg19) VCF-style: chr18-45396874-CTG-C.
Other names: c.296_297del, p.Thr99fs (NM_001003652.4); c.237-1069_237-1068del (NM_001135937.3); short protein forms T99fs.
Identifiers: ClinVar variation 5000767 (VCV005000767.1).